The following is an entry in ClinVar:

NM_000784.4(CYP27A1):c.1399G>C (p.Val467Leu)

Gene: CYP27A1 (cytochrome P450 family 27 subfamily A member 1; plus strand). Cytogenetic location: 2q35.
Variant type: single nucleotide variant.
Coding change: c.1399G>C on transcript NM_000784.4 (MANE Select); coding-DNA position 1399, G replaced by C.
Protein change: p.Val467Leu; replaces valine 467 with leucine.
Molecular consequence: missense variant.
Genome position (GRCh38, 1-based): chr2:218,814,680, G>C. VCF-style: chr2-218814680-G-C. GRCh37 (hg19) VCF-style: chr2-219679403-G-C.
Other names: short protein forms V467L.
Identifiers: ClinVar variation 1362539 (VCV001362539.6), dbSNP rs2105981259, ClinGen allele CA350594914.

ClinVar aggregate classification (germline): Uncertain significance (1 of 4 stars; one submission).

Conditions:
Cholestanol storage disease (CTX). Also called: CEREBRAL CHOLESTERINOSIS; CTX: Cerebrotendinous xanthomatosis; Cerebrotendinous Xanthomatosis. Identifiers: Orphanet 909, MedGen C0238052, MONDO:0008948, OMIM 213700.

Allele frequency attached by ClinVar (database versions not stated): gnomAD exomes below 0.00001.
gnomAD v4.1: 1 of 1,614,212 alleles (0.000062%); highest among the groups gnomAD compares: Non-Finnish European, 0.000085%; no homozygotes.

Submission:

Labcorp Genetics (formerly Invitae), Labcorp
Classification: Uncertain significance for Cholestanol storage disease. Last evaluated: 2021-12-09. Review status: criteria provided, single submitter. Criteria: Invitae Variant Classification Sherloc (09022015). Collection method: clinical testing. Allele origin: germline.
Comment: This sequence change replaces valine, which is neutral and non-polar, with leucine, which is neutral and non-polar, at codon 467 of the CYP27A1 protein (p.Val467Leu). This variant is not present in population databases (gnomAD no frequency). This variant has not been reported in the literature in individuals affected with CYP27A1-related conditions. Advanced modeling of protein sequence and biophysical properties (such as structural, functional, and spatial information, amino acid conservation, physicochemical variation, residue mobility, and thermodynamic stability) performed at Invitae indicates that this missense variant is not expected to disrupt CYP27A1 protein function. In summary, the available evidence is currently insufficient to determine the role of this variant in disease. Therefore, it has been classified as a Variant of Uncertain Significance.